The following is an entry in ClinVar:

NM_152328.5(ADSS1):c.1323C>A (p.Val441=)

Gene: ADSS1 (adenylosuccinate synthase 1; plus strand). Cytogenetic location: 14q32.33.
Variant type: single nucleotide variant.
Coding change: c.1323C>A on transcript NM_152328.5 (MANE Select); coding-DNA position 1323, C replaced by A.
Protein change: p.Val441=; no amino-acid change (valine 441 retained).
Molecular consequence: synonymous variant.
Genome position (GRCh38, 1-based): chr14:104,746,952, C>A. VCF-style: chr14-104746952-C-A. GRCh37 (hg19) VCF-style: chr14-105213289-C-A.
Other names: c.708C>A, p.Val236= (NM_001320424.1); c.1452C>A, p.Val484= (NM_199165.2).
Identifiers: ClinVar variation 3040996 (VCV003040996.2), dbSNP rs750886513, ClinGen allele CA7374125.

ClinVar aggregate classification (germline): Likely benign (0 of 4 stars; one submission).

Conditions:
ADSS1-related disorder. Also called: ADSS1-related condition.

Allele frequency attached by ClinVar (database versions not stated): ExAC 0.00001; TOPMed 0.00001.
gnomAD v4.1: 9 of 1,613,994 alleles (0.00056%); highest among the groups gnomAD compares: Admixed American, 0.0083%; no homozygotes.

Submission:

PreventionGenetics, part of Exact Sciences
Classification: Likely benign for ADSS1-related condition. Last evaluated: 2019-09-19. Review status: no assertion criteria provided. Collection method: clinical testing. Allele origin: germline.
Comment: This variant is classified as likely benign based on ACMG/AMP sequence variant interpretation guidelines (Richards et al. 2015 PMID: 25741868, with internal and published modifications).